The following is an entry in ClinVar:

ClinVar aggregate classification (germline): Likely benign (0 of 4 stars; one submission).

Conditions:
CYP4F2-related disorder. Also called: CYP4F2-related condition.

Allele frequency attached by ClinVar (database versions not stated): gnomAD exomes 0.00006; ExAC 0.00016; 1000 Genomes Project 30x 0.00047; gnomAD 0.00064; TOPMed 0.00067; ESP Exome Variant Server 0.00077; 1000 Genomes Project 0.00080.
gnomAD v4.1: 191 of 1,614,034 alleles (0.012%); highest among the groups gnomAD compares: African/African-American, 0.21%; 1 homozygote.

Submission:

PreventionGenetics, part of Exact Sciences
Classification: Likely benign for CYP4F2-related condition. Last evaluated: 2021-09-13. Review status: no assertion criteria provided. Collection method: clinical testing. Allele origin: germline.
Comment: This variant is classified as likely benign based on ACMG/AMP sequence variant interpretation guidelines (Richards et al. 2015 PMID: 25741868, with internal and published modifications).

NM_001082.5(CYP4F2):c.1470C>T (p.Arg490=)

Gene: CYP4F2 (cytochrome P450 family 4 subfamily F member 2; minus strand). Cytogenetic location: 19p13.12.
Variant type: single nucleotide variant.
Coding change: c.1470C>T on transcript NM_001082.5 (MANE Select); coding-DNA position 1470, C replaced by T.
Protein change: p.Arg490=; no amino-acid change (arginine 490 retained).
Molecular consequence: synonymous variant.
Genome position (GRCh38, 1-based): chr19:15,878,864, G>A on the plus strand (C>T on the coding strand, the complement: CYP4F2 is on the minus strand). VCF-style: chr19-15878864-G-A. GRCh37 (hg19) VCF-style: chr19-15989674-G-A.
Identifiers: ClinVar variation 3054703 (VCV003054703.2), dbSNP rs150488576, ClinGen allele CA9273574.